The following is an entry in ClinVar:

NC_000006.11:g.(?_74175912)_(74176349_?)dup

Gene: MTO1 (mitochondrial tRNA translation optimization 1; plus strand). Cytogenetic location: 6q13.
Variant type: Duplication.
Identifiers: ClinVar variation 2425766 (VCV002425766.4).

ClinVar aggregate classification (germline): Uncertain significance (1 of 4 stars; one submission).

Conditions:
Mitochondrial hypertrophic cardiomyopathy with lactic acidosis due to MTO1 deficiency. Also called: Combined oxidative phosphorylation deficiency 10; CARDIOMYOPATHY, INFANTILE HYPERTROPHIC MITOCHONDRIAL, AND LACTIC ACIDOSIS. Identifiers: Orphanet 314637, MedGen C4749921, MONDO:0013865, OMIM 614702.

Submission:

Labcorp Genetics (formerly Invitae), Labcorp
Classification: Uncertain significance for Mitochondrial hypertrophic cardiomyopathy with lactic acidosis due to MTO1 deficiency. Last evaluated: 2022-04-10. Review status: criteria provided, single submitter. Criteria: Invitae Variant Classification Sherloc (09022015). Collection method: clinical testing. Allele origin: germline.
Comment: This variant results in a copy number gain of the genomic region encompassing exon(s) 2-3 of the MTO1 gene. While the exact position of this variant cannot be determined from the data, sub-genic copy number gains are generally in tandem (PMID: 25640679). This variant is predicted to be in-frame, and likely preserves the integrity of the reading frame. This variant has not been reported in the literature in individuals affected with MTO1-related conditions. Experimental studies and prediction algorithms are not available or were not evaluated, and the functional significance of this variant is currently unknown. In summary, the available evidence is currently insufficient to determine the role of this variant in disease. Therefore, it has been classified as a Variant of Uncertain Significance.

Literature cited by the submitters: PubMed 25640679.